The following is an entry in ClinVar:

ClinVar aggregate classification (germline): Uncertain significance (1 of 4 stars; one submission).

Submission:

Labcorp Genetics (formerly Invitae), Labcorp
Classification: Uncertain significance. Last evaluated: 2020-03-11. Review status: criteria provided, single submitter. Criteria: Invitae Variant Classification Sherloc (09022015). Collection method: clinical testing. Allele origin: germline.
Comment: In summary, the available evidence is currently insufficient to determine the role of this variant in disease. Therefore, it has been classified as a Variant of Uncertain Significance. Algorithms developed to predict the effect of missense changes on protein structure and function are either unavailable or do not agree on the potential impact of this missense change (SIFT: "Deleterious"; PolyPhen-2: "Probably Damaging"; Align-GVGD: "Class C0"). This variant has not been reported in the literature in individuals with CYP24A1-related conditions. This variant is not present in population databases (ExAC no frequency). This sequence change replaces leucine with methionine at codon 115 of the CYP24A1 protein (p.Leu115Met). The leucine residue is highly conserved and there is a small physicochemical difference between leucine and methionine.

NM_000782.5(CYP24A1):c.343C>A (p.Leu115Met)

Gene: CYP24A1 (cytochrome P450 family 24 subfamily A member 1; minus strand). Cytogenetic location: 20q13.2.
Variant type: single nucleotide variant.
Coding change: c.343C>A on transcript NM_000782.5 (MANE Select); coding-DNA position 343, C replaced by A.
Protein change: p.Leu115Met; replaces leucine 115 with methionine.
Molecular consequence: missense variant.
Genome position (GRCh38, 1-based): chr20:54,173,015, G>T on the plus strand (C>A on the coding strand, the complement: CYP24A1 is on the minus strand). VCF-style: chr20-54173015-G-T. GRCh37 (hg19) VCF-style: chr20-52789554-G-T.
Other names: c.343C>A, p.Leu115Met (NM_001128915.2); short protein forms L115M.
Identifiers: ClinVar variation 1044874 (VCV001044874.8), dbSNP rs2092699560, ClinGen allele CA409393197.